The following is an entry in ClinVar:

ClinVar aggregate classification (germline): Pathogenic (1 of 4 stars; one submission).

Conditions:
Hereditary cancer-predisposing syndrome. Also called: Neoplastic Syndromes, Hereditary; Tumor predisposition; Hereditary Cancer Syndrome; Hereditary neoplastic syndrome. Identifiers: Orphanet 140162, MedGen C0027672, MeSH D009386, MONDO:0015356.

Submission:

Ambry Genetics
Classification: Pathogenic for Hereditary cancer-predisposing syndrome. Last evaluated: 2025-09-15. Review status: criteria provided, single submitter. Criteria: Ambry Variant Classification Scheme 2023. Collection method: clinical testing. Allele origin: germline.
Comment: The c.1966_1968delACTinsCC pathogenic mutation, located in coding exon 12 of the ATM gene, results from the deletion of 3 nucleotides and insertion of two nucleotides causing a translational frameshift with a predicted alternate stop codon (p.T656Pfs*8). This variant is considered to be rare based on population cohorts in the Genome Aggregation Database (gnomAD). This alteration is expected to result in loss of function by premature protein truncation or nonsense-mediated mRNA decay. As such, this alteration is interpreted as a disease-causing mutation.

NM_000051.4(ATM):c.1966_1968delinsCC (p.Thr656fs)

Gene: ATM (ATM serine/threonine kinase; plus strand). Cytogenetic location: 11q22.3.
Variant type: Indel.
Coding change: c.1966_1968delinsCC on transcript NM_000051.4 (MANE Select); coding-DNA positions 1966 to 1968, ACT replaced by CC.
Protein change: p.Thr656fs; shifts the reading frame from threonine 656.
Molecular consequence: frameshift variant.
Genome position (GRCh38, 1-based): chr11:108,253,881-108,253,883, ACT replaced by CC. VCF-style: chr11-108253881-ACT-CC. GRCh37 (hg19) VCF-style: chr11-108124608-ACT-CC.
Other names: c.1966_1968delinsCC, p.Thr656fs (NM_001351834.2); short protein forms T656fs.
Identifiers: ClinVar variation 4617040 (VCV004617040.1).